The following is an entry in ClinVar:

NM_000222.3(KIT):c.653A>G (p.Lys218Arg)

Gene: KIT (KIT proto-oncogene, receptor tyrosine kinase; plus strand). Cytogenetic location: 4q12.
Variant type: single nucleotide variant.
Coding change: c.653A>G on transcript NM_000222.3 (MANE Select); coding-DNA position 653, A replaced by G.
Protein change: p.Lys218Arg; replaces lysine 218 with arginine.
Molecular consequence: missense variant.
Genome position (GRCh38, 1-based): chr4:54,699,663, A>G. VCF-style: chr4-54699663-A-G. GRCh37 (hg19) VCF-style: chr4-55565829-A-G.
Other names: c.653A>G, p.Lys218Arg (NM_001093772.2, NM_001385284.1, NM_001385285.1 and 4 more transcripts); short protein forms K218R.
Identifiers: ClinVar variation 2984097 (VCV002984097.3), dbSNP rs2475456747, ClinGen allele CA356898209.
Genomic context (GRCh38, chr4:54,699,663, plus strand): 5'-GAGGGGCCACATTTCTTTTCATTCTAGCCTTCAAAGCTGTGCCTGTTGTGTCTGTGTCCA[A>G]AGCAAGCTATCTTCTTAGGGAAGGGGAAGAATTCACAGTGACGTGCACAATAAAAGATGT-3'
Protein context (NP_000213.1, residues 208-228): FKAVPVVSVS[Lys218Arg]ASYLLREGEE

ClinVar aggregate classification (germline): Uncertain significance (1 of 4 stars; one submission).

Conditions:
Gastrointestinal stromal tumor. Also called: Gastrointestinal stromal tumor, somatic; Gastrointestinal stroma tumor. Identifiers: Orphanet 44890, MedGen C0238198, MeSH D046152, MONDO:0011719, OMIM 606764, HP:0100723.

Submission:

Labcorp Genetics (formerly Invitae), Labcorp
Classification: Uncertain significance for Gastrointestinal stromal tumor. Last evaluated: 2023-04-25. Review status: criteria provided, single submitter. Criteria: Invitae Variant Classification Sherloc (09022015). Collection method: clinical testing. Allele origin: germline.
Comment: This variant is not present in population databases (gnomAD no frequency). This sequence change replaces lysine, which is basic and polar, with arginine, which is basic and polar, at codon 218 of the KIT protein (p.Lys218Arg). This variant has not been reported in the literature in individuals affected with KIT-related conditions. Algorithms developed to predict the effect of missense changes on protein structure and function output the following: SIFT: "Not Available"; PolyPhen-2: "Benign"; Align-GVGD: "Not Available". The arginine amino acid residue is found in multiple mammalian species, which suggests that this missense change does not adversely affect protein function. Algorithms developed to predict the effect of sequence changes on RNA splicing suggest that this variant may create or strengthen a splice site. In summary, the available evidence is currently insufficient to determine the role of this variant in disease. Therefore, it has been classified as a Variant of Uncertain Significance.